The following is an entry in ClinVar:

NM_000051.4(ATM):c.8911C>T (p.Gln2971Ter)

Genes: ATM (ATM serine/threonine kinase; plus strand), C11orf65 (chromosome 11 open reading frame 65; minus strand). Cytogenetic location: 11q22.3.
Variant type: single nucleotide variant.
Coding change: c.8911C>T on transcript NM_000051.4 (MANE Select); coding-DNA position 8911, C replaced by T.
Protein change: p.Gln2971Ter; replaces glutamine 2971 with a stop codon.
Molecular consequence: nonsense. On other transcripts: intron variant (2).
Genome position (GRCh38, 1-based): chr11:108,365,142, C>T. VCF-style: chr11-108365142-C-T. GRCh37 (hg19) VCF-style: chr11-108235869-C-T.
Other names: c.8911C>T, p.Gln2971Ter (NM_001351834.2); c.640+20778G>A (NM_001330368.2); c.694+20778G>A (NM_001351110.2); short protein forms Q2971*.
Identifiers: ClinVar variation 582761 (VCV000582761.18), dbSNP rs1565607653, ClinGen allele CA382529890.

ClinVar aggregate classification (germline): Pathogenic/Likely pathogenic. Review status: criteria provided, multiple submitters, no conflicts (2 of 4 stars). 6 submissions from 6 submitters: Pathogenic (5); Likely pathogenic (1). Last evaluated 2025-12-29.

Conditions:
Ataxia-telangiectasia syndrome (AT). Also called: Cerebello-oculocutaneous telangiectasia; Immunodeficiency with ataxia telangiectasia; Ataxia-telangiectasia, complementation group E; Ataxia-telangiectasia, complementation group D; AT, COMPLEMENTATION GROUP C; ATAXIA-TELANGIECTASIA, COMPLEMENTATION GROUP A. Identifiers: Orphanet 100, MedGen C0004135, MONDO:0008840, OMIM 208900.
Breast cancer, susceptibility to. Identifiers: MedGen C3469522. Disease mechanism: gain of function.
Hereditary cancer-predisposing syndrome. Also called: Hereditary Cancer Syndrome; Neoplastic Syndromes, Hereditary; Tumor predisposition; Hereditary neoplastic syndrome. Identifiers: Orphanet 140162, MedGen C0027672, MeSH D009386, MONDO:0015356.
Familial cancer of breast. Also called: BREAST CANCER, FAMILIAL; Hereditary breast cancer; hereditary breast carcinoma. Identifiers: Orphanet 227535, MedGen C0346153, MONDO:0016419, OMIM 114480. Disease mechanism: loss of function.

Submissions (6):

Labcorp Genetics (formerly Invitae), Labcorp
Classification: Pathogenic for Ataxia-telangiectasia syndrome. Last evaluated: 2025-12-29. Review status: criteria provided, single submitter. Criteria: Invitae Variant Classification Sherloc (09022015). Collection method: clinical testing. Allele origin: germline.
Comment: This sequence change creates a premature translational stop signal (p.Gln2971*) in the ATM gene. It is expected to result in an absent or disrupted protein product. Loss-of-function variants in ATM are known to be pathogenic (PMID: 23807571, 25614872). This variant is not present in population databases (gnomAD no frequency). This premature translational stop signal has been observed in individual(s) with ataxia-telangiectasia (PMID: 26628246). ClinVar contains an entry for this variant (Variation ID: 582761). For these reasons, this variant has been classified as Pathogenic.

Baylor Genetics
Classification: Pathogenic for Familial cancer of breast. Last evaluated: 2024-03-18. Review status: criteria provided, single submitter. Criteria: ACMG Guidelines, 2015. Collection method: clinical testing. Allele origin: unknown.

Myriad Genetics, Inc.
Classification: Pathogenic for Familial cancer of breast. Last evaluated: 2024-02-06. Review status: criteria provided, single submitter. Criteria: Myriad Autosomal Dominant, Autosomal Recessive and X-Linked Classification Criteria (2023). Collection method: clinical testing. Allele origin: unknown.
Comment: This variant is considered pathogenic. This variant creates a termination codon and is predicted to result in premature protein truncation.

Ambry Genetics
Classification: Pathogenic for Hereditary cancer-predisposing syndrome. Last evaluated: 2021-07-09. Review status: criteria provided, single submitter. Criteria: Ambry Variant Classification Scheme 2023. Collection method: clinical testing. Allele origin: germline.
Comment: The p.Q2971* pathogenic mutation (also known as c.8911C>T), located in coding exon 61 of the ATM gene, results from a C to T substitution at nucleotide position 8911. This changes the amino acid from a glutamine to a stop codon within coding exon 61. This alteration has been detected with a protein-truncating mutation in trans in an individual diagnosed with ataxia telangiectasia (Liu XL et al. Neurosci Lett, 2016 Jan;611:112-5). In addition to the clinical data presented in the literature, this alteration is expected to result in loss of function by premature protein truncation or nonsense-mediated mRNA decay. As such, this alteration is interpreted as a disease-causing mutation.

Color Diagnostics, LLC DBA Color Health
Classification: Pathogenic for Hereditary cancer-predisposing syndrome. Last evaluated: 2020-01-15. Review status: criteria provided, single submitter. Criteria: ACMG Guidelines, 2015. Collection method: clinical testing. Allele origin: germline.
Comment: This variant changes 1 nucleotide in exon 62 of the ATM gene, creating a premature translation stop signal. This variant is expected to result in an absent or non-functional protein product. This variant has not been identified in the general population by the Genome Aggregation Database (gnomAD). Loss of ATM function is a known mechanism of disease. Based on the available evidence, this variant is classified as Pathogenic.

Human Genome Sequencing Center Clinical Lab, Baylor College of Medicine
Classification: Likely pathogenic for Susceptibility to breast cancer; Ataxia-telangiectasia. Last evaluated: 2019-12-30. Review status: criteria provided, single submitter. Criteria: ACMG Guidelines, 2015. Collection method: clinical testing. Allele origin: germline.
Comment: This c.8911C>T (p.Gln2971Ter) variant in exon 62 of the ATM gene creates a premature translational stop signal and is predicted to disrupt protein function either through nonsense-mediated decay or protein truncation. This variant is not present in population databases (gnomAD). Individuals who are heterozygous for a pathogenic ATM variant are at increased risk for cancer, in particular breast cancer in women. This variant is classified as likely pathogenic.

Literature cited by the submitters: PubMed 23807571 (cited by Labcorp Genetics (formerly Invitae), Labcorp); PubMed 25614872 (cited by Labcorp Genetics (formerly Invitae), Labcorp); PubMed 26628246 (cited by Labcorp Genetics (formerly Invitae), Labcorp and Ambry Genetics).